The following is an entry in ClinVar:

NM_025219.3(DNAJC5):c.120G>A (p.Leu40=)

Gene: DNAJC5 (DnaJ heat shock protein family (Hsp40) member C5; plus strand). Cytogenetic location: 20q13.33.
Variant type: single nucleotide variant.
Coding change: c.120G>A on transcript NM_025219.3 (MANE Select); coding-DNA position 120, G replaced by A.
Protein change: p.Leu40=; no amino-acid change (leucine 40 retained).
Molecular consequence: synonymous variant.
Genome position (GRCh38, 1-based): chr20:63,929,324, G>A. VCF-style: chr20-63929324-G-A. GRCh37 (hg19) VCF-style: chr20-62560677-G-A.
Identifiers: ClinVar variation 4996338 (VCV004996338.1).

ClinVar aggregate classification (germline): Likely benign (1 of 4 stars; one submission).

Conditions:
DNAJC5-related disorder. Also called: DNAJC5-related condition.

gnomAD v4.1: 3 of 1,613,932 alleles (0.00019%); highest among the groups gnomAD compares: South Asian, 0.0033%; no homozygotes.

Submission:

PreventionGenetics, part of Exact Sciences
Classification: Likely benign for DNAJC5-related condition. Last evaluated: 2026-06-08. Review status: criteria provided, single submitter. Criteria: ACMG Guidelines, 2015. Collection method: clinical testing. Allele origin: germline.
Comment: This variant is classified as likely benign based on ACMG/AMP sequence variant interpretation guidelines (Richards et al. 2015 PMID: 25741868, with internal and published modifications).